The following is an entry in ClinVar:

ClinVar aggregate classification (germline): Uncertain significance (1 of 4 stars; one submission).

Conditions:
Gastrointestinal stromal tumor. Also called: Gastrointestinal stroma tumor; Gastrointestinal stromal tumor, somatic. Identifiers: Orphanet 44890, MedGen C0238198, MeSH D046152, MONDO:0011719, OMIM 606764, HP:0100723.

Submission:

Labcorp Genetics (formerly Invitae), Labcorp
Classification: Uncertain significance for Gastrointestinal stromal tumor. Last evaluated: 2022-03-06. Review status: criteria provided, single submitter. Criteria: Invitae Variant Classification Sherloc (09022015). Collection method: clinical testing. Allele origin: germline.
Comment: This variant has not been reported in the literature in individuals affected with KIT-related conditions. This sequence change replaces tyrosine, which is neutral and polar, with aspartic acid, which is acidic and polar, at codon 221 of the KIT protein (p.Tyr221Asp). This variant is not present in population databases (gnomAD no frequency). Algorithms developed to predict the effect of missense changes on protein structure and function (SIFT, PolyPhen-2, Align-GVGD) all suggest that this variant is likely to be tolerated. In summary, the available evidence is currently insufficient to determine the role of this variant in disease. Therefore, it has been classified as a Variant of Uncertain Significance.

NM_000222.3(KIT):c.661T>G (p.Tyr221Asp)

Gene: KIT (KIT proto-oncogene, receptor tyrosine kinase; plus strand). Cytogenetic location: 4q12.
Variant type: single nucleotide variant.
Coding change: c.661T>G on transcript NM_000222.3 (MANE Select); coding-DNA position 661, T replaced by G.
Protein change: p.Tyr221Asp; replaces tyrosine 221 with aspartic acid.
Molecular consequence: missense variant.
Genome position (GRCh38, 1-based): chr4:54,699,671, T>G. VCF-style: chr4-54699671-T-G. GRCh37 (hg19) VCF-style: chr4-55565837-T-G.
Other names: c.661T>G, p.Tyr221Asp (NM_001093772.2, NM_001385284.1, NM_001385285.1 and 4 more transcripts); short protein forms Y221D.
Identifiers: ClinVar variation 2169959 (VCV002169959.4), dbSNP rs1353141725, ClinGen allele CA356898238.
Genomic context (GRCh38, chr4:54,699,671, plus strand): 5'-ACATTTCTTTTCATTCTAGCCTTCAAAGCTGTGCCTGTTGTGTCTGTGTCCAAAGCAAGC[T>G]ATCTTCTTAGGGAAGGGGAAGAATTCACAGTGACGTGCACAATAAAAGATGTGTCTAGTT-3'
Protein context (NP_000213.1, residues 211-231): VPVVSVSKAS[Tyr221Asp]LLREGEEFTV